The following is an entry in ClinVar:

ClinVar aggregate classification (germline): Uncertain significance (1 of 4 stars; one submission).

Submission:

Ambry Genetics
Classification: Uncertain significance. Last evaluated: 2023-03-31. Review status: criteria provided, single submitter. Criteria: Ambry Variant Classification Scheme 2023. Collection method: clinical testing. Allele origin: germline.
Comment: The p.L470V variant (also known as c.1408C>G), located in coding exon 6 of the PALLD gene, results from a C to G substitution at nucleotide position 1408. The leucine at codon 470 is replaced by valine, an amino acid with highly similar properties. This amino acid position is conserved. In addition, this alteration is predicted to be tolerated by in silico analysis. Since supporting evidence is limited at this time, the clinical significance of this alteration remains unclear.

NM_001166108.2(PALLD):c.1408C>G (p.Leu470Val)

Gene: PALLD (palladin, cytoskeletal associated protein; plus strand). Cytogenetic location: 4q32.3.
Variant type: single nucleotide variant.
Coding change: c.1408C>G on transcript NM_001166108.2 (MANE Select); coding-DNA position 1408, C replaced by G.
Protein change: p.Leu470Val; replaces leucine 470 with valine.
Molecular consequence: missense variant.
Genome position (GRCh38, 1-based): chr4:168,690,675, C>G. VCF-style: chr4-168690675-C-G. GRCh37 (hg19) VCF-style: chr4-169611826-C-G.
Other names: c.262C>G, p.Leu88Val (NM_001166109.2); c.1408C>G, p.Leu470Val (NM_016081.4); short protein forms L470V, L88V.
Identifiers: ClinVar variation 2563392 (VCV002563392.2), dbSNP rs2531651396, ClinGen allele CA358795703.
Genomic context (GRCh38, chr4:168,690,675, plus strand): 5'-ACAGCCGTGGCGGAAGGCCAGGTGGTGGTTCTGGAGTGCCGGGTCCGTGGGGCACCCCCT[C>G]TGCAGGTCCAGTGGTTTCGGCAAGGGAGTGAAATCCAAGACTCTCCAGATTTCCGAATTC-3'
Protein context (NP_001159580.1, residues 460-480): LECRVRGAPP[Leu470Val]QVQWFRQGSE